The following is an entry in ClinVar:

ClinVar aggregate classification (germline): Uncertain significance (1 of 4 stars; one submission).

Allele frequency attached by ClinVar (database versions not stated): gnomAD 0.00001; gnomAD exomes 0.00001 and 0.00002; TOPMed 0.00001.
gnomAD v4.1: 7 of 1,613,448 alleles (0.00043%); highest among the groups gnomAD compares: Admixed American, 0.01%; no homozygotes.

Submission:

Labcorp Genetics (formerly Invitae), Labcorp
Classification: Uncertain significance. Last evaluated: 2022-10-13. Review status: criteria provided, single submitter. Criteria: Invitae Variant Classification Sherloc (09022015). Collection method: clinical testing. Allele origin: germline.
Comment: In summary, the available evidence is currently insufficient to determine the role of this variant in disease. Therefore, it has been classified as a Variant of Uncertain Significance. Experimental studies and prediction algorithms are not available or were not evaluated, and the functional significance of this variant is currently unknown. This sequence change replaces serine, which is neutral and polar, with glycine, which is neutral and non-polar, at codon 1721 of the HTT protein (p.Ser1721Gly). This variant is present in population databases (no rsID available, gnomAD 0.01%). This variant has not been reported in the literature in individuals affected with HTT-related conditions. ClinVar contains an entry for this variant (Variation ID: 1380105).

NM_001388492.1(HTT):c.5155A>G (p.Ser1719Gly)

Gene: HTT (huntingtin; plus strand). Cytogenetic location: 4p16.3.
Variant type: single nucleotide variant.
Coding change: c.5155A>G on transcript NM_001388492.1 (MANE Select); coding-DNA position 5155, A replaced by G.
Protein change: p.Ser1719Gly; replaces serine 1719 with glycine.
Molecular consequence: missense variant.
Genome position (GRCh38, 1-based): chr4:3,187,816, A>G. VCF-style: chr4-3187816-A-G. GRCh37 (hg19) VCF-style: chr4-3189543-A-G.
Other names: c.5161A>G, p.Ser1721Gly (NM_002111.8); short protein forms S1721G, S1719G.
Identifiers: ClinVar variation 1380105 (VCV001380105.6), dbSNP rs1021375048, ClinGen allele CA91432653.